The following is an entry in ClinVar:

ClinVar aggregate classification (germline): Uncertain significance (1 of 4 stars; one submission).

Conditions:
Holoprosencephaly 5 (HPE5). Identifiers: Orphanet 2162, MedGen C1864827, MONDO:0012322, OMIM 609637.

Submission:

Labcorp Genetics (formerly Invitae), Labcorp
Classification: Uncertain significance for Holoprosencephaly 5. Last evaluated: 2023-09-06. Review status: criteria provided, single submitter. Criteria: Invitae Variant Classification Sherloc (09022015). Collection method: clinical testing. Allele origin: germline.
Comment: This variant, c.447_611dup, results in the insertion of 55 amino acid(s) of the ZIC2 protein (p.His150_Pro204dup), but otherwise preserves the integrity of the reading frame. This variant is not present in population databases (gnomAD no frequency). This variant has not been reported in the literature in individuals affected with ZIC2-related conditions. Experimental studies and prediction algorithms are not available or were not evaluated, and the functional significance of this variant is currently unknown. In summary, the available evidence is currently insufficient to determine the role of this variant in disease. Therefore, it has been classified as a Variant of Uncertain Significance.

NM_007129.5(ZIC2):c.447_611dup (p.Pro204_Tyr205insHisSerAspAlaGlnGlyHisLeuLeuPheProGlyLeuProGluGlnHisGlyProHisGlySerGlnAsnValLeuAsnGlyGlnMetArgLeuGlyLeuProGlyGluValPheGlyArgSerGluGlnTyrArgGlnValAlaSerProArgThrAspPro)

Gene: ZIC2 (Zic family zinc finger 2; plus strand). Cytogenetic location: 13q32.3.
Variant type: Duplication.
Coding change: c.447_611dup on transcript NM_007129.5 (MANE Select); coding-DNA positions 447 to 611, 165 bases duplicated.
Protein change: p.Pro204_Tyr205insHisSerAspAlaGlnGlyHisLeuLeuPheProGlyLeuProGluGlnHisGlyProHisGlySerGlnAsnValLeuAsnGlyGlnMetArgLeuGlyLeuProGlyGluValPheGlyArgSerGluGlnTyrArgGlnValAlaSerProArgThrAspPro.
Molecular consequence: inframe insertion.
Genome position (GRCh38, 1-based): chr13:99,982,511-99,982,675, 165 bases duplicated. GRCh37 (hg19): chr13:100,634,765-100,634,929.
Identifiers: ClinVar variation 2756430 (VCV002756430.3), dbSNP rs2501543235, ClinGen allele CA2697551917.